The following is an entry in ClinVar:

ClinVar aggregate classification (germline): Likely benign (0 of 4 stars; one submission).

Conditions:
SEMA3E-related disorder. Also called: SEMA3E-related condition.

gnomAD v4.1: 2 of 1,612,350 alleles (0.00012%); highest among the groups gnomAD compares: South Asian, 0.0022%; no homozygotes.

Submission:

PreventionGenetics, part of Exact Sciences
Classification: Likely benign for SEMA3E-related condition. Last evaluated: 2023-10-13. Review status: no assertion criteria provided. Collection method: clinical testing. Allele origin: germline.
Comment: This variant is classified as likely benign based on ACMG/AMP sequence variant interpretation guidelines (Richards et al. 2015 PMID: 25741868, with internal and published modifications).

NM_012431.3(SEMA3E):c.1500+4A>C

Gene: SEMA3E (semaphorin 3E; minus strand). Cytogenetic location: 7q21.11.
Variant type: single nucleotide variant.
Coding change: c.1500+4A>C on transcript NM_012431.3 (MANE Select); 4 bases into the intron after coding-DNA position 1500, A replaced by C.
Molecular consequence: intron variant.
Genome position (GRCh38, 1-based): chr7:83,394,293, T>G on the plus strand (A>C on the coding strand, the complement: SEMA3E is on the minus strand). VCF-style: chr7-83394293-T-G. GRCh37 (hg19) VCF-style: chr7-83023609-T-G.
Other names: c.1320+4A>C (NM_001178129.2).
Identifiers: ClinVar variation 3347971 (VCV003347971.1).